The following is an entry in ClinVar:

NM_001298.3(CNGA3):c.238C>T (p.Leu80=)

Gene: CNGA3 (cyclic nucleotide gated channel subunit alpha 3; plus strand). Cytogenetic location: 2q11.2.
Variant type: single nucleotide variant.
Coding change: c.238C>T on transcript NM_001298.3 (MANE Select); coding-DNA position 238, C replaced by T.
Protein change: p.Leu80=; no amino-acid change (leucine 80 retained).
Molecular consequence: synonymous variant.
Genome position (GRCh38, 1-based): chr2:98,380,197, C>T. VCF-style: chr2-98380197-C-T. GRCh37 (hg19) VCF-style: chr2-98996660-C-T.
Other names: c.238C>T, p.Leu80= (NM_001079878.2).
Identifiers: ClinVar variation 337655 (VCV000337655.16), dbSNP rs575326068, ClinGen allele CA1793671.

ClinVar aggregate classification (germline): Conflicting classifications of pathogenicity. Review status: criteria provided, conflicting classifications (1 of 4 stars). 5 submissions from 5 submitters: Uncertain significance (1); Benign (1); Likely benign (3). Last evaluated 2026-06-01.

Conditions:
CNGA3-related disorder. Also called: CNGA3-related condition.
Achromatopsia 2 (ACHM2). Also called: COLORBLINDNESS, TOTAL; ROD MONOCHROMACY 2; ROD MONOCHROMATISM 2. Identifiers: Orphanet 49382, MedGen C1857618, MONDO:0009003, OMIM 216900.

Allele frequency attached by ClinVar (database versions not stated): 1000 Genomes Project 0.00060; 1000 Genomes Project 30x 0.00062; gnomAD 0.00001 and 0.00012; TOPMed 0.00002; gnomAD exomes 0.00024 and 0.00049.
gnomAD v4.1: 370 of 1,614,224 alleles (0.023%); highest among the groups gnomAD compares: South Asian, 0.38%; 4 homozygotes.

Submissions (5):

CeGaT Center for Human Genetics Tuebingen
Classification: Likely benign. Last evaluated: 2026-06-01. Review status: criteria provided, single submitter. Criteria: CeGaT Center For Human Genetics Tuebingen Variant Classification Criteria Version 2. Collection method: clinical testing. Allele origin: germline. Affected: yes. Observed: 1 variant allele.
Comment: CNGA3: BS2

Labcorp Genetics (formerly Invitae), Labcorp
Classification: Benign. Last evaluated: 2025-12-01. Review status: criteria provided, single submitter. Criteria: Invitae Variant Classification Sherloc (09022015). Collection method: clinical testing. Allele origin: germline.

PreventionGenetics, part of Exact Sciences
Classification: Likely benign for CNGA3-related condition. Last evaluated: 2025-01-07. Review status: criteria provided, single submitter. Criteria: ACMG Guidelines, 2015. Collection method: clinical testing. Allele origin: germline.
Comment: This variant is classified as likely benign based on ACMG/AMP sequence variant interpretation guidelines (Richards et al. 2015 PMID: 25741868, with internal and published modifications).

Blueprint Genetics
Classification: Likely benign. Last evaluated: 2024-08-22. Review status: criteria provided, single submitter. Criteria: ACMG Guidelines, 2015. Collection method: clinical testing. Allele origin: germline.

Illumina Laboratory Services, Illumina
Classification: Uncertain significance for Achromatopsia 2. Last evaluated: 2018-01-12. Review status: criteria provided, single submitter. Criteria: ICSL Variant Classification Criteria 13 December 2019. Collection method: clinical testing. Allele origin: germline.